The following is an entry in ClinVar:

NM_001009944.3(PKD1):c.7067T>G (p.Val2356Gly)

Gene: PKD1 (polycystin 1, transient receptor potential channel interacting; minus strand). Cytogenetic location: 16p13.3.
Variant type: single nucleotide variant.
Coding change: c.7067T>G on transcript NM_001009944.3 (MANE Select); coding-DNA position 7067, T replaced by G.
Protein change: p.Val2356Gly; replaces valine 2356 with glycine.
Molecular consequence: missense variant.
Genome position (GRCh38, 1-based): chr16:2,106,947, A>C on the plus strand (T>G on the coding strand, the complement: PKD1 is on the minus strand). VCF-style: chr16-2106947-A-C. GRCh37 (hg19) VCF-style: chr16-2156948-A-C.
Other names: c.7067T>G, p.Val2356Gly (NM_000296.4); short protein forms V2356G.
Identifiers: ClinVar variation 3236104 (VCV003236104.3), dbSNP rs2544785366, ClinGen allele CA394372165.

ClinVar aggregate classification (germline): Uncertain significance. Review status: criteria provided, multiple submitters, no conflicts (2 of 4 stars). 2 submissions from 2 submitters: Uncertain significance (2). Last evaluated 2023-05-25.

Conditions:
Polycystic kidney disease, adult type (PKD1). Also called: Polycystic Kidney Disease 1, Autosomal Dominant; Polycystic kidney disease 1; Polycystic kidney disease 1, severe; Polycystic Kidney, Autosomal Dominant; POLYCYSTIC KIDNEY DISEASE 1 WITH OR WITHOUT POLYCYSTIC LIVER DISEASE; POLYCYSTIC KIDNEY DISEASE, ADULT, TYPE I. Identifiers: MedGen C3149841, MONDO:0008263, OMIM 173900.

Submissions (2):

MVZ Medizinische Genetik Mainz
Classification: Uncertain significance for Polycystic kidney disease, adult type. Last evaluated: 2023-05-25. Review status: criteria provided, single submitter. Criteria: UK Practice Guidelines For Variant Classification V4 01 2020. Collection method: clinical testing. Allele origin: germline. Inheritance: Autosomal dominant inheritance. Affected: yes. Observed: 1 variant allele.
Comment: ACMG Criteria: PM2_SUP, PP3, PP4 (ACMG Version 4)

Juno Genomics, Hangzhou Juno Genomics, Inc
Classification: Uncertain significance for Polycystic kidney disease, adult type. Review status: criteria provided, single submitter. Criteria: ACMG Guidelines, 2015. Collection method: clinical testing. Allele origin: germline. Affected: yes.
Comment: Absent from controls (or at extremely low frequency if recessive) in Genome Aggregation Database, Exome Sequencing Project, 1000 Genomes Project, or Exome Aggregation Consortium.;Multiple lines of computational evidence support a deleterious effect on the gene or gene product (conservation, evolutionary, splicing impact, etc).;Patient's phenotype or family history is highly specific for a disease with a single genetic etiology.